The following is an entry in ClinVar:

ClinVar aggregate classification (germline): Uncertain significance (1 of 4 stars; one submission).

Submission:

GeneDx
Classification: Uncertain significance. Last evaluated: 2024-12-02. Review status: criteria provided, single submitter. Criteria: GeneDx Variant Classification Process June 2021. Collection method: clinical testing. Allele origin: germline. Affected: yes.
Comment: Not observed at significant frequency in large population cohorts (gnomAD); In silico analysis indicates that this missense variant does not alter protein structure/function; Has not been previously published as pathogenic or benign to our knowledge

NM_018008.4(FEZF2):c.568C>A (p.Leu190Ile)

Gene: FEZF2 (FEZ family zinc finger 2; minus strand). Cytogenetic location: 3p14.2.
Variant type: single nucleotide variant.
Coding change: c.568C>A on transcript NM_018008.4 (MANE Select); coding-DNA position 568, C replaced by A.
Protein change: p.Leu190Ile; replaces leucine 190 with isoleucine.
Molecular consequence: missense variant.
Genome position (GRCh38, 1-based): chr3:62,372,301, G>T on the plus strand (C>A on the coding strand, the complement: FEZF2 is on the minus strand). VCF-style: chr3-62372301-G-T. GRCh37 (hg19) VCF-style: chr3-62357976-G-T.
Other names: short protein forms L190I.
Identifiers: ClinVar variation 3900868 (VCV003900868.1).